The following is an entry in ClinVar:

ClinVar aggregate classification (germline): Benign. Review status: criteria provided, single submitter (1 of 4 stars). 2 submissions from 2 submitters: Benign (1). 1 of the submissions does not count toward it. Last evaluated 2025-12-10.

Conditions:
FBN3-related disorder. Also called: FBN3-related condition.

Allele frequency attached by ClinVar (database versions not stated): gnomAD exomes 0.00040 and 0.00097; ExAC 0.00149; 1000 Genomes Project 0.00479; 1000 Genomes Project 30x 0.00515; ESP Exome Variant Server 0.00515; gnomAD 0.00402 and 0.00426; TOPMed 0.00444.
gnomAD v4.1: 1,212 of 1,612,580 alleles (0.075%); highest among the groups gnomAD compares: African/African-American, 1.5%; 6 homozygotes.

Submissions (2):

Labcorp Genetics (formerly Invitae), Labcorp
Classification: Benign. Last evaluated: 2025-12-10. Review status: criteria provided, single submitter. Criteria: Invitae Variant Classification Sherloc (09022015). Collection method: clinical testing. Allele origin: germline.

PreventionGenetics, part of Exact Sciences
Classification: Likely benign for FBN3-related condition. Last evaluated: 2019-04-01. Review status: no assertion criteria provided. Collection method: clinical testing. Allele origin: germline. Not counted in ClinVar's aggregate classification.
Comment: This variant is classified as likely benign based on ACMG/AMP sequence variant interpretation guidelines (Richards et al. 2015 PMID: 25741868, with internal and published modifications).

NM_032447.5(FBN3):c.495C>T (p.Asn165=)

Gene: FBN3 (fibrillin 3; minus strand). Cytogenetic location: 19p13.2.
Variant type: single nucleotide variant.
Coding change: c.495C>T on transcript NM_032447.5 (MANE Select); coding-DNA position 495, C replaced by T.
Protein change: p.Asn165=; no amino-acid change (asparagine 165 retained).
Molecular consequence: synonymous variant.
Genome position (GRCh38, 1-based): chr19:8,144,923, G>A on the plus strand (C>T on the coding strand, the complement: FBN3 is on the minus strand). VCF-style: chr19-8144923-G-A. GRCh37 (hg19) VCF-style: chr19-8209807-G-A.
Other names: c.495C>T (NM_001321431.1); c.495C>T, p.Asn165= (NM_001321431.2).
Identifiers: ClinVar variation 734023 (VCV000734023.11), dbSNP rs142825892, ClinGen allele CA9153703.
Genomic context (GRCh38, chr19:8,144,923, plus strand): 5'-CGCATGCTTGGTACCTCTCTCACATTGAGGTCCCATGAAGCCATACACACAGGCGCAGCG[G>A]TTGGGCCCAATGCAGCGACCCCCATTGTGGCAGCCGCGGTCACAGATGGCTGTGGAGGAG-3'
Protein context (NP_115823.3, residues 155-175): CHNGGRCIGP[Asn165=]RCACVYGFMG